The following is an entry in ClinVar:

NM_000069.3(CACNA1S):c.4414C>T (p.Arg1472Cys)

Gene: CACNA1S (calcium voltage-gated channel subunit alpha1 S; minus strand). Cytogenetic location: 1q32.1.
Variant type: single nucleotide variant.
Coding change: c.4414C>T on transcript NM_000069.3 (MANE Select); coding-DNA position 4414, C replaced by T.
Protein change: p.Arg1472Cys; replaces arginine 1472 with cysteine.
Molecular consequence: missense variant.
Genome position (GRCh38, 1-based): chr1:201,048,609, G>A on the plus strand (C>T on the coding strand, the complement: CACNA1S is on the minus strand). VCF-style: chr1-201048609-G-A. GRCh37 (hg19) VCF-style: chr1-201017737-G-A.
Other names: c.4414C>T (NM_000069.2); short protein forms R1472C.
Identifiers: ClinVar variation 1026113 (VCV001026113.9), dbSNP rs201257304, ClinGen allele CA083331.

ClinVar aggregate classification (germline): Conflicting classifications of pathogenicity. Review status: criteria provided, conflicting classifications (1 of 4 stars). 5 submissions from 5 submitters: Uncertain significance (4); Likely benign (1). Last evaluated 2025-12-03.

Conditions:
Inborn genetic diseases. Identifiers: MedGen C0950123, MeSH D030342.
Hypokalemic periodic paralysis, type 1. Also called: HypoPP; Hypokalemic Periodic Paralysis Type 1 (AD). Identifiers: Orphanet 681, MedGen C3714580, MONDO:0042979, OMIM 170400.
Thyrotoxic periodic paralysis, susceptibility to, 1 (TTPP1). Identifiers: Orphanet 79102, MedGen C2749982, MONDO:0008570, OMIM 188580.
Malignant hyperthermia, susceptibility to, 5 (MHS5). Also called: CACNA1S-Related Malignant Hyperthermia Susceptibility. Identifiers: Orphanet 423, MedGen C1866077, MONDO:0011163, OMIM 601887.

Allele frequency attached by ClinVar (database versions not stated): ExAC 0.00003; gnomAD exomes 0.00004 and 0.00006; gnomAD 0.00006 and 0.00007; TOPMed 0.00006; ESP Exome Variant Server 0.00023.
gnomAD v4.1: 104 of 1,613,810 alleles (0.0064%); highest among the groups gnomAD compares: South Asian, 0.012%; no homozygotes.

Submissions (5):

Labcorp Genetics (formerly Invitae), Labcorp
Classification: Likely benign for Hypokalemic periodic paralysis, type 1; Malignant hyperthermia, susceptibility to, 5. Last evaluated: 2025-12-03. Review status: criteria provided, single submitter. Criteria: Invitae Variant Classification Sherloc (09022015). Collection method: clinical testing. Allele origin: germline.

Ambry Genetics
Classification: Uncertain significance for Inborn genetic diseases. Last evaluated: 2024-10-07. Review status: criteria provided, single submitter. Criteria: Ambry Variant Classification Scheme 2023. Collection method: clinical testing. Allele origin: germline.

Color Diagnostics, LLC DBA Color Health
Classification: Uncertain significance for Malignant hyperthermia, susceptibility to, 5. Last evaluated: 2024-05-16. Review status: criteria provided, single submitter. Criteria: ACMG Guidelines, 2015. Collection method: clinical testing. Allele origin: germline.
Comment: This missense variant replaces arginine with cysteine at codon 1472 of the CACNA1S protein. Computational prediction suggests that this variant may have deleterious impact on protein structure and function. To our knowledge, functional studies have not been reported for this variant. This variant has not been reported in individuals affected with CACNA1S-related disorders in the literature. This variant has been identified in 10/251186 chromosomes in the general population by the Genome Aggregation Database (gnomAD). The available evidence is insufficient to determine the role of this variant in disease conclusively. Therefore, this variant is classified as a Variant of Uncertain Significance.

GeneDx
Classification: Uncertain significance. Last evaluated: 2024-05-08. Review status: criteria provided, single submitter. Criteria: GeneDx Variant Classification Process June 2021. Collection method: clinical testing. Allele origin: germline. Affected: yes.
Comment: In silico analysis supports that this missense variant has a deleterious effect on protein structure/function; Has not been previously published as pathogenic or benign to our knowledge

Fulgent Genetics
Classification: Uncertain significance for Hypokalemic periodic paralysis, type 1; Thyrotoxic periodic paralysis, susceptibility to, 1; Malignant hyperthermia, susceptibility to, 5. Last evaluated: 2022-05-17. Review status: criteria provided, single submitter. Criteria: ACMG Guidelines, 2015. Collection method: clinical testing. Allele origin: unknown.